The following is an entry in ClinVar:

NM_023067.4(FOXL2):c.612G>A (p.Trp204Ter)

Gene: FOXL2 (forkhead box L2; minus strand). Cytogenetic location: 3q22.3.
Variant type: single nucleotide variant.
Coding change: c.612G>A on transcript NM_023067.4 (MANE Select); coding-DNA position 612, G replaced by A.
Protein change: p.Trp204Ter; replaces tryptophan 204 with a stop codon.
Molecular consequence: nonsense.
Genome position (GRCh38, 1-based): chr3:138,946,111, C>T on the plus strand (G>A on the coding strand, the complement: FOXL2 is on the minus strand). VCF-style: chr3-138946111-C-T. GRCh37 (hg19) VCF-style: chr3-138664953-C-T.
Other names: short protein forms W204*.
Identifiers: ClinVar variation 369915 (VCV000369915.4), dbSNP rs1057516164, ClinGen allele CA10654879.

ClinVar aggregate classification (germline): Pathogenic. Review status: criteria provided, multiple submitters, no conflicts (2 of 4 stars). 2 submissions from 2 submitters: Pathogenic (2). Last evaluated 2023-08-30.

Conditions:
Blepharophimosis, ptosis, and epicanthus inversus syndrome. Identifiers: Orphanet 126, MedGen C0220663, MONDO:0007201, OMIM 110100.

Submissions (2):

Labcorp Genetics (formerly Invitae), Labcorp
Classification: Pathogenic. Last evaluated: 2023-08-30. Review status: criteria provided, single submitter. Criteria: Invitae Variant Classification Sherloc (09022015). Collection method: clinical testing. Allele origin: germline.
Comment: For these reasons, this variant has been classified as Pathogenic. This variant disrupts a region of the FOXL2 protein in which other variant(s) (p.Pro307Hisfs*52) have been determined to be pathogenic (PMID: 11468277). This suggests that this is a clinically significant region of the protein, and that variants that disrupt it are likely to be disease-causing. ClinVar contains an entry for this variant (Variation ID: 369915). This premature translational stop signal has been observed in individual(s) with blepharophimosis (PMID: 32454486). This variant is not present in population databases (gnomAD no frequency). This sequence change creates a premature translational stop signal (p.Trp204*) in the FOXL2 gene. While this is not anticipated to result in nonsense mediated decay, it is expected to disrupt the last 173 amino acid(s) of the FOXL2 protein.

Genomic Diagnostic Laboratory, Division of Genomic Diagnostics, Children's Hospital of Philadelphia
Classification: Pathogenic for Blepharophimosis, ptosis, and epicanthus inversus syndrome. Last evaluated: 2016-11-03. Review status: criteria provided, single submitter. Criteria: DGD Variant Analysis Guidelines. Collection method: clinical testing. Allele origin: germline. Affected: yes. Observed: 1 variant allele.
Comment: Clinical Testing

Literature cited by the submitters: PubMed 11468277 (cited by Labcorp Genetics (formerly Invitae), Labcorp); PubMed 32454486 (cited by Labcorp Genetics (formerly Invitae), Labcorp).